The following is an entry in ClinVar:

NM_170606.3(KMT2C):c.12026G>A (p.Ser4009Asn)

Gene: KMT2C (lysine methyltransferase 2C; minus strand). Cytogenetic location: 7q36.1.
Variant type: single nucleotide variant.
Coding change: c.12026G>A on transcript NM_170606.3 (MANE Select); coding-DNA position 12026, G replaced by A.
Protein change: p.Ser4009Asn; replaces serine 4009 with asparagine.
Molecular consequence: missense variant.
Genome position (GRCh38, 1-based): chr7:152,154,380, C>T on the plus strand (G>A on the coding strand, the complement: KMT2C is on the minus strand). VCF-style: chr7-152154380-C-T. GRCh37 (hg19) VCF-style: chr7-151851465-C-T.
Other names: short protein forms S4009N.
Identifiers: ClinVar variation 3600621 (VCV003600621.1).

ClinVar aggregate classification (germline): Uncertain significance (1 of 4 stars; one submission).

Submission:

GeneDx
Classification: Uncertain significance. Last evaluated: 2024-07-25. Review status: criteria provided, single submitter. Criteria: GeneDx Variant Classification Process June 2021. Collection method: clinical testing. Allele origin: germline. Affected: yes.
Comment: Not observed at significant frequency in large population cohorts (gnomAD); In silico analysis supports that this missense variant has a deleterious effect on protein structure/function; Has not been previously published as pathogenic or benign to our knowledge